The following is an entry in ClinVar:

ClinVar aggregate classification (germline): Uncertain significance. Review status: criteria provided, multiple submitters, no conflicts (2 of 4 stars). 4 submissions from 3 submitters: Uncertain significance (3). 1 of the submissions does not count toward it. Last evaluated 2025-08-25.

Conditions:
Orofaciodigital syndrome type 6 (OFD6). Also called: OROFACIODIGITAL SYNDROME VI; OFDS VI; POLYDACTYLY, CLEFT LIP/PALATE OR LINGUAL LUMP, AND PSYCHOMOTOR RETARDATION; VARADI SYNDROME; VARADI-PAPP SYNDROME; Oral-facial-digital syndrome type 6. Identifiers: Orphanet 2754, MedGen C2745997, MONDO:0010176, OMIM 277170.
Joubert syndrome 17 (JBTS17). Identifiers: Orphanet 475, MedGen C3553264, MONDO:0013824, OMIM 614615.
CPLANE1-related disorder. Also called: CPLANE1-related condition.

Allele frequency attached by ClinVar (database versions not stated): gnomAD exomes below 0.00001.
gnomAD v4.1: 2 of 1,613,626 alleles (0.00012%); highest among the groups gnomAD compares: Non-Finnish European, 0.00017%; no homozygotes.

Submissions (4):

Daryl Scott Lab, Baylor College of Medicine
Classification: Uncertain significance for CPLANE1-related disorder. Last evaluated: 2025-08-25. Review status: criteria provided, single submitter. Criteria: ACMG Guidelines, 2015. Collection method: clinical testing. Allele origin: unknown. Affected: yes. Observed: 1 homozygote.
Comment: PM2, PP3

Genomic Medicine Center of Excellence, King Faisal Specialist Hospital and Research Centre
Classification: Uncertain significance for Orofaciodigital syndrome type 6. Last evaluated: 2024-03-25. Review status: criteria provided, single submitter. Criteria: ACMG Guidelines, 2015. Collection method: research. Allele origin: germline.

Baylor Genetics
Classification: Uncertain significance for Joubert syndrome 17. Last evaluated: 2020-02-03. Review status: criteria provided, single submitter. Criteria: ACMG Guidelines, 2015. Collection method: clinical testing. Allele origin: unknown. Affected: yes.
Comment: This variant was determined to be of uncertain significance according to ACMG Guidelines, 2015 [PMID:25741868].

Genomic Medicine Center of Excellence, King Faisal Specialist Hospital and Research Centre
Classification: Uncertain significance for Joubert syndrome 17. Review status: no assertion criteria provided. Collection method: research. Allele origin: germline. Affected: yes. Not counted in ClinVar's aggregate classification.
Comment: It was observed with the other variant (NM_023073.3:c.994_996del)

NM_001384732.1(CPLANE1):c.4629T>G (p.Phe1543Leu)

Gene: CPLANE1 (ciliogenesis and planar polarity effector complex subunit 1; minus strand). Cytogenetic location: 5p13.2.
Variant type: single nucleotide variant.
Coding change: c.4629T>G on transcript NM_001384732.1 (MANE Select); coding-DNA position 4629, T replaced by G.
Protein change: p.Phe1543Leu; replaces phenylalanine 1543 with leucine.
Molecular consequence: missense variant.
Genome position (GRCh38, 1-based): chr5:37,183,552, A>C on the plus strand (T>G on the coding strand, the complement: CPLANE1 is on the minus strand). VCF-style: chr5-37183552-A-C. GRCh37 (hg19) VCF-style: chr5-37183654-A-C.
Other names: c.4629T>G, p.Phe1543Leu (NM_023073.4); short protein forms F1543L.
Identifiers: ClinVar variation 917926 (VCV000917926.5), dbSNP rs1783222163, ClinGen allele CA359497451.